The following is an entry in ClinVar:

ClinVar aggregate classification (germline): Likely benign (1 of 4 stars; one submission).

Conditions:
Ehlers-Danlos syndrome, type 4 (EDSVASC). Also called: Ehlers-Danlos Syndrome Type IV; Ehlers-Danlos syndrome vascular type; Ehlers Danlos syndrome, ecchymotic type; Ehlers Danlos syndrome, arterial type; Ehlers Danlos syndrome, Sack-Barabas type. Identifiers: Orphanet 286, MedGen C0268338, MONDO:0017314, OMIM 130050.

Allele frequency attached by ClinVar (database versions not stated): gnomAD exomes 0.00001.
gnomAD v4.1: 3 of 1,613,980 alleles (0.00019%); highest among the groups gnomAD compares: Non-Finnish European, 0.00025%; no homozygotes.

Submission:

All of Us Research Program, National Institutes of Health
Classification: Likely benign for Ehlers-Danlos syndrome, type 4. Last evaluated: 2023-12-18. Review status: criteria provided, single submitter. Criteria: ACMG Guidelines, 2015. Collection method: clinical testing. Allele origin: germline. Inheritance: Autosomal dominant inheritance. Observed: 1 variant allele, 1 heterozygote.
Comment: This study involves interpretation of variants in research participants for the purpose of population health screening. Participant phenotype was not available at the time of variant classification. Additional details can be found in publication PMID: 35346344, PMCID: PMC8962531

NM_000090.4(COL3A1):c.1794C>T (p.Gly598=)

Gene: COL3A1 (collagen type III alpha 1 chain; plus strand). Cytogenetic location: 2q32.2.
Variant type: single nucleotide variant.
Coding change: c.1794C>T on transcript NM_000090.4 (MANE Select); coding-DNA position 1794, C replaced by T.
Protein change: p.Gly598=; no amino-acid change (glycine 598 retained).
Molecular consequence: synonymous variant.
Genome position (GRCh38, 1-based): chr2:188,997,197, C>T. VCF-style: chr2-188997197-C-T. GRCh37 (hg19) VCF-style: chr2-189861923-C-T.
Identifiers: ClinVar variation 3075179 (VCV003075179.1), dbSNP rs2469137705, ClinGen allele CA430309900.